The following is an entry in ClinVar:

NM_006514.4(SCN10A):c.3482T>C (p.Met1161Thr)

Genes: SCN10A (sodium voltage-gated channel alpha subunit 10; minus strand), LOC110121288 (VISTA enhancer hs2268; plus strand). Cytogenetic location: 3p22.2.
Variant type: single nucleotide variant.
Coding change: c.3482T>C on transcript NM_006514.4 (MANE Select); coding-DNA position 3482, T replaced by C.
Protein change: p.Met1161Thr; replaces methionine 1161 with threonine.
Molecular consequence: missense variant.
Genome position (GRCh38, 1-based): chr3:38,722,283, A>G on the plus strand (T>C on the coding strand, the complement: SCN10A is on the minus strand). VCF-style: chr3-38722283-A-G. GRCh37 (hg19) VCF-style: chr3-38763774-A-G.
Other names: p.Met1161Thr; c.3482T>C (NM_006514.2); c.3479T>C, p.Met1160Thr (NM_001293306.2); c.3188T>C, p.Met1063Thr (NM_001293307.2); short protein forms M1161T, M1160T, M1063T.
Identifiers: ClinVar variation 463249 (VCV000463249.21), dbSNP rs200713724, ClinGen allele CA2320224.

ClinVar aggregate classification (germline): Conflicting classifications of pathogenicity. Review status: criteria provided, conflicting classifications (1 of 4 stars). 8 submissions from 8 submitters: Uncertain significance (6); Likely benign (2). Last evaluated 2025-12-20.

Conditions:
Cardiovascular phenotype. Identifiers: MedGen CN230736.
Episodic pain syndrome, familial, 2 (FEPS2). Identifiers: Orphanet 306577, MedGen C3809893, MONDO:0014246, OMIM 615551.
Brugada syndrome. Also called: Sudden unexplained nocturnal death syndrome; Sudden Unexplained Death Syndrome; Sudden Unexplained Nocturnal Death Syndrome (SUNDS); Sudden unexpected nocturnal death syndrome. Identifiers: Orphanet 130, MedGen C1142166, MONDO:0015263.

Allele frequency attached by ClinVar (database versions not stated): gnomAD exomes 0.00018 and 0.00040; ExAC 0.00022; ESP Exome Variant Server 0.00023; gnomAD 0.00026 and 0.00029; TOPMed 0.00032.

Submissions (8):

Labcorp Genetics (formerly Invitae), Labcorp
Classification: Uncertain significance for Brugada syndrome. Last evaluated: 2025-12-20. Review status: criteria provided, single submitter. Criteria: Invitae Variant Classification Sherloc (09022015). Collection method: clinical testing. Allele origin: germline.
Comment: This sequence change replaces methionine, which is neutral and non-polar, with threonine, which is neutral and polar, at codon 1161 of the SCN10A protein (p.Met1161Thr). This variant is present in population databases (rs200713724, gnomAD 0.04%). This missense change has been observed in individual(s) with SCN10A-related conditions (PMID: 28078312, 30554136, 32917565). ClinVar contains an entry for this variant (Variation ID: 463249). Invitae Evidence Modeling of protein sequence and biophysical properties (such as structural, functional, and spatial information, amino acid conservation, physicochemical variation, residue mobility, and thermodynamic stability) indicates that this missense variant is expected to disrupt SCN10A protein function with a positive predictive value of 80%. In summary, the available evidence is currently insufficient to determine the role of this variant in disease. Therefore, it has been classified as a Variant of Uncertain Significance.

Mayo Clinic Laboratories, Mayo Clinic
Classification: Uncertain significance. Last evaluated: 2025-04-03. Review status: criteria provided, single submitter. Criteria: ACMG Guidelines, 2015. Collection method: clinical testing. Allele origin: germline. Observed: 1 variant allele.
Comment: BS2, PP3_moderate

Blueprint Genetics
Classification: Uncertain significance. Last evaluated: 2024-10-29. Review status: criteria provided, single submitter. Criteria: ACMG Guidelines, 2015. Collection method: clinical testing. Allele origin: germline.

GeneDx
Classification: Uncertain significance. Last evaluated: 2023-07-27. Review status: criteria provided, single submitter. Criteria: GeneDx Variant Classification Process June 2021. Collection method: clinical testing. Allele origin: germline. Affected: yes.
Comment: In silico analysis supports that this missense variant has a deleterious effect on protein structure/function; This variant is associated with the following publications: (PMID: 28078312, 32917565, 30554136)

Revvity Omics, Revvity
Classification: Uncertain significance for Episodic pain syndrome, familial, 2. Last evaluated: 2023-06-22. Review status: criteria provided, single submitter. Criteria: ACMG Guidelines, 2015. Collection method: clinical testing. Allele origin: germline.

Women's Health and Genetics/Laboratory Corporation of America, LabCorp
Classification: Likely benign. Last evaluated: 2023-02-17. Review status: criteria provided, single submitter. Criteria: LabCorp Variant Classification Summary - May 2015. Collection method: clinical testing. Allele origin: germline.
Comment: Variant summary: SCN10A c.3482T>C (p.Met1161Thr) results in a non-conservative amino acid change located in the ion transport domain (IPR005821) of the encoded protein sequence. Five of five in-silico tools predict a damaging effect of the variant on protein function. The variant allele was found at a frequency of 0.00018 in 251306 control chromosomes, predominantly at a frequency of 0.00031 within the Non-Finnish European subpopulation in the gnomAD database. The observed variant frequency within Non-Finnish European control individuals in the gnomAD database is approximately 50-fold of the estimated maximal expected allele frequency for a pathogenic variant in SCN10A causing Arrhythmia phenotype (6.3e-06), strongly suggesting that the variant is a benign polymorphism found primarily in populations of Non-Finnish European origin. c.3482T>C has been reported in the literature in an individual who suffered a sudden cardiac death with no family history of such events or of heart disease (Ripoll-Vera_2021). This report does not provide unequivocal conclusions about association of the variant with Arrhythmia. To our knowledge, no experimental evidence demonstrating an impact on protein function has been reported. Four clinical diagnostic laboratories have submitted clinical-significance assessments for this variant to ClinVar after 2014 and classified the variant as either VUS (n=3) or likely benign (n=1). Based on the evidence outlined above, the variant was classified as likely benign.

Fulgent Genetics
Classification: Uncertain significance for Episodic pain syndrome, familial, 2. Last evaluated: 2021-09-03. Review status: criteria provided, single submitter. Criteria: ACMG Guidelines, 2015. Collection method: clinical testing. Allele origin: unknown.

Ambry Genetics
Classification: Likely benign for Cardiovascular phenotype. Last evaluated: 2019-12-03. Review status: criteria provided, single submitter. Criteria: Ambry Variant Classification Scheme 2023. Collection method: clinical testing. Allele origin: germline.

Literature cited by the submitters: PubMed 28078312 (cited by 4 submitters); PubMed 30554136 (cited by 3 submitters); PubMed 32917565 (cited by 3 submitters).